The following is an entry in ClinVar:

ClinVar aggregate classification (germline): Uncertain significance (1 of 4 stars; one submission).

Conditions:
Hereditary cancer-predisposing syndrome. Also called: Tumor predisposition; Hereditary neoplastic syndrome; Neoplastic Syndromes, Hereditary; Hereditary Cancer Syndrome. Identifiers: Orphanet 140162, MedGen C0027672, MeSH D009386, MONDO:0015356.

Submission:

Labcorp Genetics (formerly Invitae), Labcorp
Classification: Uncertain significance for Hereditary cancer-predisposing syndrome. Last evaluated: 2019-04-28. Review status: criteria provided, single submitter. Criteria: Invitae Variant Classification Sherloc (09022015). Collection method: clinical testing. Allele origin: germline.
Comment: This sequence change replaces glutamine with histidine at codon 1158 of the RAD50 protein (p.Gln1158His). The glutamine residue is moderately conserved and there is a small physicochemical difference between glutamine and histidine. This variant is not present in population databases (ExAC no frequency). In summary, the available evidence is currently insufficient to determine the role of this variant in disease. Therefore, it has been classified as a Variant of Uncertain Significance. Algorithms developed to predict the effect of missense changes on protein structure and function (SIFT, PolyPhen-2, Align-GVGD) all suggest that this variant is likely to be tolerated, but these predictions have not been confirmed by published functional studies and their clinical significance is uncertain. This variant has not been reported in the literature in individuals with RAD50-related conditions.

NM_005732.4(RAD50):c.3474A>C (p.Gln1158His)

Genes: RAD50 (RAD50 double strand break repair protein; plus strand), TH2LCRR (T helper type 2 locus control region associated RNA; minus strand), TH2-LCR (Th2 cytokine locus control region; plus strand). Cytogenetic location: 5q31.1.
Variant type: single nucleotide variant.
Coding change: c.3474A>C on transcript NM_005732.4 (MANE Select); coding-DNA position 3474, A replaced by C.
Protein change: p.Gln1158His; replaces glutamine 1158 with histidine.
Molecular consequence: missense variant.
Genome position (GRCh38, 1-based): chr5:132,637,199, A>C. VCF-style: chr5-132637199-A-C. GRCh37 (hg19) VCF-style: chr5-131972891-A-C.
Other names: short protein forms Q1158H.
Identifiers: ClinVar variation 951690 (VCV000951690.10), dbSNP rs1751599188, ClinGen allele CA360930648.